The following is an entry in ClinVar:

GRCh37/hg19 17q12(chr17:33073917-33863479)x1

Genes: SLFN13 (schlafen family member 13; minus strand), SLFN5 (schlafen family member 5; plus strand), UNC45B (unc-45 myosin chaperone B; plus strand), ZNF830 (zinc finger protein 830; plus strand), CCT6B (chaperonin containing TCP1 subunit 6B; minus strand) and 9 more. Cytogenetic location: 17q12.
Variant type: copy number loss.
Change: copy number 1 (one copy instead of two) of chr17:33,073,917-33,863,479 (789.6 kb, GRCh37 coordinates, 1-based), cytogenetic band 17q12.
Identifiers: ClinVar variation 815928 (VCV000815928.2).

ClinVar aggregate classification (germline): Pathogenic (1 of 4 stars; one submission).

Submission:

Quest Diagnostics Nichols Institute San Juan Capistrano
Classification: Pathogenic. Last evaluated: 2026-06-05. Review status: criteria provided, single submitter. Criteria: ACMG/ClinGen CNV Guidelines, 2019. Collection method: clinical testing. Allele origin: unknown.
Comment: This copy number loss involves RAD51D. Haploinsufficiency of RAD51D is associated with increased susceptibility to familial ovarian and/or cancer (CCID:007746 ). Thus, based on current medical literature this copy number variant (CNV) is classified as pathogenic.